The following is an entry in ClinVar:

NM_000116.5(TAFAZZIN):c.379T>G (p.Phe127Val)

Gene: TAFAZZIN (tafazzin, phospholipid-lysophospholipid transacylase; plus strand). Cytogenetic location: Xq28.
Variant type: single nucleotide variant.
Coding change: c.379T>G on transcript NM_000116.5 (MANE Select); coding-DNA position 379, T replaced by G.
Protein change: p.Phe127Val; replaces phenylalanine 127 with valine.
Molecular consequence: missense variant. On other transcripts: intron variant (2).
Genome position (GRCh38, 1-based): chrX:154,414,109, T>G. VCF-style: chrX-154414109-T-G. GRCh37 (hg19) VCF-style: chrX-153642446-T-G.
Other names: c.433T>G, p.Phe145Val (NM_001303465.2); c.379T>G, p.Phe127Val (NM_181312.4); c.370+542T>G (NM_181311.4, NM_181313.4); short protein forms F127V, F145V.
Identifiers: ClinVar variation 2105082 (VCV002105082.4), dbSNP rs2522950472, ClinGen allele CA415182338.

ClinVar aggregate classification (germline): Uncertain significance (1 of 4 stars; one submission).

Conditions:
3-Methylglutaconic aciduria type 2 (BTHS). Also called: Barth syndrome; CARDIOSKELETAL MYOPATHY WITH NEUTROPENIA AND ABNORMAL MITOCHONDRIA. Identifiers: Orphanet 111, MedGen C0574083, MONDO:0010543, OMIM 302060.

Submission:

Labcorp Genetics (formerly Invitae), Labcorp
Classification: Uncertain significance for 3-Methylglutaconic aciduria type 2. Last evaluated: 2022-03-01. Review status: criteria provided, single submitter. Criteria: Invitae Variant Classification Sherloc (09022015). Collection method: clinical testing. Allele origin: germline.
Comment: Algorithms developed to predict the effect of missense changes on protein structure and function are either unavailable or do not agree on the potential impact of this missense change (SIFT: "Not Available"; PolyPhen-2: "Benign"; Align-GVGD: "Not Available"). This variant has not been reported in the literature in individuals affected with TAZ-related conditions. Algorithms developed to predict the effect of sequence changes on RNA splicing suggest that this variant may create or strengthen a splice site. In summary, the available evidence is currently insufficient to determine the role of this variant in disease. Therefore, it has been classified as a Variant of Uncertain Significance. This sequence change replaces phenylalanine, which is neutral and non-polar, with valine, which is neutral and non-polar, at codon 127 of the TAZ protein (p.Phe127Val). This variant is not present in population databases (gnomAD no frequency).